The following is an entry in ClinVar:

NM_000096.4(CP):c.1357A>G (p.Ile453Val)

Gene: CP (ceruloplasmin; minus strand). Cytogenetic location: 3q24.
Variant type: single nucleotide variant.
Coding change: c.1357A>G on transcript NM_000096.4 (MANE Select); coding-DNA position 1357, A replaced by G.
Protein change: p.Ile453Val; replaces isoleucine 453 with valine.
Molecular consequence: missense variant. On other transcripts: non-coding transcript variant (1).
Genome position (GRCh38, 1-based): chr3:149,199,856, T>C on the plus strand (A>G on the coding strand, the complement: CP is on the minus strand). VCF-style: chr3-149199856-T-C. GRCh37 (hg19) VCF-style: chr3-148917643-T-C.
Other names: p.Ile453Val; short protein forms I453V.
Identifiers: ClinVar variation 899768 (VCV000899768.26), dbSNP rs145762017, ClinGen allele CA2661039.

ClinVar aggregate classification (germline): Uncertain significance. Review status: criteria provided, multiple submitters, no conflicts (2 of 4 stars). 4 submissions from 4 submitters: Uncertain significance (4). Last evaluated 2026-08-01.

Conditions:
Deficiency of ferroxidase (ACEP). Also called: NEURODEGENERATION WITH BRAIN IRON ACCUMULATION 10; Deficiency of ceruloplasmin; Ceruloplasmin deficiency; Familial apoceruloplasmin deficiency; Hereditary ceruloplasmin deficiency; Aceruloplasminemia. Identifiers: Orphanet 48818, MedGen C0878682, MONDO:0011426, OMIM 604290, HP:0025498.

Allele frequency attached by ClinVar (database versions not stated): ExAC 0.00007; gnomAD exomes 0.00008; gnomAD 0.00009 and 0.00010; TOPMed 0.00011; ESP Exome Variant Server 0.00015.
gnomAD v4.1: 310 of 1,613,932 alleles (0.019%); highest among the groups gnomAD compares: Non-Finnish European, 0.024%; no homozygotes.

Submissions (4):

CeGaT Center for Human Genetics Tuebingen
Classification: Uncertain significance. Last evaluated: 2026-08-01. Review status: criteria provided, single submitter. Criteria: CeGaT Center For Human Genetics Tuebingen Variant Classification Criteria Version 2. Collection method: clinical testing. Allele origin: germline. Affected: yes. Observed: 2 variant alleles.
Comment: CP: PM2

Mayo Clinic Laboratories, Mayo Clinic
Classification: Uncertain significance. Last evaluated: 2025-06-17. Review status: criteria provided, single submitter. Criteria: ACMG Guidelines, 2015. Collection method: clinical testing. Allele origin: germline. Observed: 2 variant alleles.
Comment: PP3, PM2_supporting

GeneDx
Classification: Uncertain significance. Last evaluated: 2025-06-03. Review status: criteria provided, single submitter. Criteria: GeneDx Variant Classification Process June 2021. Collection method: clinical testing. Allele origin: germline. Affected: yes.
Comment: In silico analysis suggests that this missense variant does not alter protein structure/function; Has not been previously published as pathogenic or benign to our knowledge

Illumina Laboratory Services, Illumina
Classification: Uncertain significance for Deficiency of ferroxidase. Last evaluated: 2018-01-13. Review status: criteria provided, single submitter. Criteria: ICSL Variant Classification Criteria 13 December 2019. Collection method: clinical testing. Allele origin: germline.